The following is an entry in ClinVar:

NM_000138.5(FBN1):c.8040dup (p.Ile2681fs)

Gene: FBN1 (fibrillin 1; minus strand). Cytogenetic location: 15q21.1.
Variant type: Duplication.
Coding change: c.8040dup on transcript NM_000138.5 (MANE Select); coding-DNA position 8040, one base duplicated (C; older notation c.8040dupC).
Protein change: p.Ile2681fs; shifts the reading frame from isoleucine 2681.
Molecular consequence: frameshift variant.
Genome position (GRCh38, 1-based): chr15:48,415,547, G duplicated on the plus strand (C on the coding strand, the reverse complement: FBN1 is on the minus strand). VCF-style (leftmost placement, unchanged base first): chr15-48415546-T-TG. GRCh37 (hg19) VCF-style: chr15-48707743-T-TG.
Other names: c.8040dup, p.Ile2681fs (NM_001406716.1); short protein forms I2681fs.
Identifiers: ClinVar variation 2953760 (VCV002953760.3), dbSNP rs2505382464, ClinGen allele CA2740096610.
Genomic context (GRCh38, chr15:48,415,546, plus strand): 5'-TATTACGAATGAAAGAATCTCCAACCATGACCAGGAAGAGCACTGCTTACCCTTGGCCTA[T>TG]GCGGAAGTAACCAGGTGGACAGCCACACAGGTAACCGCCCTCGGTATTGGAACAGCCATA-3'

ClinVar aggregate classification (germline): Pathogenic (1 of 4 stars; one submission).

Conditions:
Marfan syndrome (MFS). Also called: MARFAN SYNDROME, TYPE I; Marfan syndrome type 1; Marfan's syndrome; Marfan syndrome, classic; FBN1-Related Marfan Syndrome. Identifiers: Orphanet 284963, Orphanet 558, MedGen C0024796, MONDO:0007947, OMIM 154700.
Familial thoracic aortic aneurysm and aortic dissection (TAAD). Also called: Thoracic aortic aneurysms and dissections. Identifiers: Orphanet 91387, MedGen C4707243, MONDO:0019625.

Submission:

Labcorp Genetics (formerly Invitae), Labcorp
Classification: Pathogenic for Marfan syndrome; Familial thoracic aortic aneurysm and aortic dissection. Last evaluated: 2023-11-10. Review status: criteria provided, single submitter. Criteria: Invitae Variant Classification Sherloc (09022015). Collection method: clinical testing. Allele origin: germline.
Comment: This sequence change creates a premature translational stop signal (p.Ile2681Hisfs*24) in the FBN1 gene. It is expected to result in an absent or disrupted protein product. Loss-of-function variants in FBN1 are known to be pathogenic (PMID: 17657824, 19293843). This variant is not present in population databases (gnomAD no frequency). This variant has not been reported in the literature in individuals affected with FBN1-related conditions. For these reasons, this variant has been classified as Pathogenic.

Literature cited by the submitters: PubMed 17657824; PubMed 19293843.